The following is an entry in ClinVar:

NM_000466.3(PEX1):c.1897del (p.Arg633fs)

Gene: PEX1 (peroxisomal biogenesis factor 1; minus strand). Cytogenetic location: 7q21.2.
Variant type: Deletion.
Coding change: c.1897del on transcript NM_000466.3 (MANE Select); coding-DNA position 1897, one base deleted (C; older notation c.1897delC).
Protein change: p.Arg633fs; shifts the reading frame from arginine 633.
Molecular consequence: frameshift variant.
Genome position (GRCh38, 1-based): chr7:92,506,251, G deleted on the plus strand (C on the coding strand, the reverse complement: PEX1 is on the minus strand). VCF-style (leftmost placement, unchanged base first): chr7-92506250-CG-C. GRCh37 (hg19) VCF-style: chr7-92135564-CG-C.
Other names: c.1897del, p.Arg633fs (NM_001282677.2); c.1273del, p.Arg425fs (NM_001282678.2); short protein forms R633fs, R425fs.
Identifiers: ClinVar variation 2093276 (VCV002093276.4), dbSNP rs2484673333, ClinGen allele CA2580077828.

ClinVar aggregate classification (germline): Pathogenic (1 of 4 stars; one submission).

Conditions:
Zellweger spectrum disorders (ZS). Also called: Zellweger syndrome; Zellweger Spectrum Disorder; Zellweger Spectrum; Zellweger Spectrum Disorder (ZSD). Identifiers: Orphanet 912, MedGen C0043459, MONDO:0019609.

Submission:

Labcorp Genetics (formerly Invitae), Labcorp
Classification: Pathogenic for Zellweger spectrum disorders. Last evaluated: 2022-02-04. Review status: criteria provided, single submitter. Criteria: Invitae Variant Classification Sherloc (09022015). Collection method: clinical testing. Allele origin: germline.
Comment: For these reasons, this variant has been classified as Pathogenic. This variant has not been reported in the literature in individuals affected with PEX1-related conditions. This sequence change creates a premature translational stop signal (p.Arg633Glufs*12) in the PEX1 gene. It is expected to result in an absent or disrupted protein product. Loss-of-function variants in PEX1 are known to be pathogenic (PMID: 9398847, 16086329, 16141001, 21031596, 26387595, 31831025). This variant is not present in population databases (gnomAD no frequency).

Literature cited by the submitters: PubMed 9398847; PubMed 16086329; PubMed 16141001; PubMed 21031596; PubMed 26387595; PubMed 31831025.